The following is an entry in ClinVar:

ClinVar aggregate classification (germline): Pathogenic/Likely pathogenic. Review status: criteria provided, multiple submitters, no conflicts (2 of 4 stars). 3 submissions from 3 submitters: Pathogenic (2); Likely pathogenic (1). Last evaluated 2024-06-27.

Conditions:
Microcephaly 5, primary, autosomal recessive (MCPH5). Also called: ASPM Primary Microcephaly. Identifiers: Orphanet 2512, MedGen C1837501, MONDO:0012106, OMIM 608716.

Allele frequency attached by ClinVar (database versions not stated): TOPMed 0.00001.
gnomAD v4.1: 12 of 1,605,914 alleles (0.00075%); highest among the groups gnomAD compares: Admixed American, 0.0017%; no homozygotes.

Submissions (3):

3billion
Classification: Pathogenic for Microcephaly 5, primary, autosomal recessive. Last evaluated: 2024-06-27. Review status: criteria provided, single submitter. Criteria: ACMG Guidelines, 2015. Collection method: clinical testing. Allele origin: germline. Affected: yes.
Comment: The variant is observed at an extremely low frequency in the gnomAD v4.0.0 dataset (total allele frequency: <0.001%). Predicted Consequence/Location: Stop-gained (nonsense): predicted to result in a loss or disruption of normal protein function through nonsense-mediated decay (NMD) or protein truncation. Multiple pathogenic variants are reported downstream of the variant. The variant has been reported to be associated with ASPM-related disorder (ClinVar ID: VCV001029677 /PMID: 20978018). Therefore, this variant is classified as Pathogenic according to the recommendation of ACMG/AMP guideline.

Baylor Genetics
Classification: Pathogenic for Microcephaly 5, primary, autosomal recessive. Last evaluated: 2019-07-16. Review status: criteria provided, single submitter. Criteria: ACMG Guidelines, 2015. Collection method: clinical testing. Allele origin: unknown. Affected: yes.
Comment: This variant was determined to be pathogenic according to ACMG Guidelines, 2015 [PMID:25741868].

Neuberg Centre For Genomic Medicine, NCGM
Classification: Likely pathogenic for Microcephaly 5, primary, autosomal recessive. Review status: criteria provided, single submitter. Criteria: ACMG Guidelines, 2015. Collection method: clinical testing. Allele origin: germline. Inheritance: Autosomal recessive inheritance. Affected: yes.
Comment: The observed stop gained variant c.9286C>T(p.Arg3096Ter) in ASPM gene has not been reported previously as a pathogenic variant nor as a benign variant, to our knowledge. The c.9286C>T variant has 0.0004% allele frequency in gnomAD Exomes. This variant has been reported to the ClinVar database as Pathogenic. However, study on multiple affected individuals and functional impact of the variant is not available. This variant is predicted to cause loss of normal protein function through protein truncation. Loss of function variants have been previously reported to be disease causing (Tan CA, et al., 2014). For these reasons, this variant has been classified as Likely Pathogenic.

Literature cited by the submitters: PubMed 20978018 (cited by 3billion).

NM_018136.5(ASPM):c.9286C>T (p.Arg3096Ter)

Gene: ASPM (assembly factor for spindle microtubules; minus strand). Cytogenetic location: 1q31.3.
Variant type: single nucleotide variant.
Coding change: c.9286C>T on transcript NM_018136.5 (MANE Select); coding-DNA position 9286, C replaced by T.
Protein change: p.Arg3096Ter; replaces arginine 3096 with a stop codon.
Molecular consequence: nonsense.
Genome position (GRCh38, 1-based): chr1:197,093,060, G>A on the plus strand (C>T on the coding strand, the complement: ASPM is on the minus strand). VCF-style: chr1-197093060-G-A. GRCh37 (hg19) VCF-style: chr1-197062190-G-A.
Other names: c.4531C>T, p.Arg1511Ter (NM_001206846.2); short protein forms R1511*, R3096*.
Identifiers: ClinVar variation 1029677 (VCV001029677.3), dbSNP rs774143329, ClinGen allele CA344006610.